The following is an entry in ClinVar:

ClinVar aggregate classification (germline): Pathogenic. Review status: criteria provided, multiple submitters, no conflicts (2 of 4 stars). 2 submissions from 2 submitters: Pathogenic (2). Last evaluated 2023-11-09.

Conditions:
SERPING1-related disorder. Also called: SERPING1-related condition.
Hereditary angioedema type 1 (HAE1). Identifiers: Orphanet 100050, Orphanet 100051, Orphanet 91378, MedGen C2717906, MONDO:0015053, OMIM 106100.

Submissions (2):

Rady Children's Institute for Genomic Medicine, Rady Children's Hospital San Diego
Classification: Pathogenic for SERPING1-related disorders. Last evaluated: 2023-11-09. Review status: criteria provided, single submitter. Criteria: ACMG Guidelines, 2015. Collection method: clinical testing. Allele origin: germline. Affected: yes.
Comment: This nonsense variant found in exon 6 of 8 is predicted to result in loss of normal protein function through either protein truncation or nonsense-mediated mRNA decay. Loss-of-function variation in SERPING1 is an established mechanism of disease (PMID: 11112899, 24456027). This variant has not been previously reported or functionally characterized in the literature to our knowledge. The c.985A>T (p.Lys329Ter) variant is absent from the gnomAD population database and thus is presumed to be rare. Analysis of the parental samples was negative for the variant, indicating this variant likely occurred as a de novo event. Based on the available evidence, c.985A>T (p.Lys329Ter) is classified as Pathogenic.

Division of Rheumatology, Allergy and Immunology, UCSD
Classification: Pathogenic for Hereditary angioedema type 1. Last evaluated: 2020-08-25. Review status: criteria provided, single submitter. Criteria: ACMG Guidelines, 2015. Collection method: research. Allele origin: somatic. Affected: yes. Observed: 1 variant allele.
Comment: Predicted loss-of-function (LOF) associated with low C1-INH plasma levels in patients with hereditary angioedema symptoms.

Literature cited by the submitters: PubMed 11112899 (cited by Rady Children's Institute for Genomic Medicine, Rady Children's Hospital San Diego); 24456027 (cited by Rady Children's Institute for Genomic Medicine, Rady Children's Hospital San Diego).

NM_000062.3(SERPING1):c.985A>T (p.Lys329Ter)

Gene: SERPING1 (serpin family G member 1; plus strand). Cytogenetic location: 11q12.1.
Variant type: single nucleotide variant.
Coding change: c.985A>T on transcript NM_000062.3 (MANE Select); coding-DNA position 985, A replaced by T.
Protein change: p.Lys329Ter; replaces lysine 329 with a stop codon.
Molecular consequence: nonsense.
Genome position (GRCh38, 1-based): chr11:57,606,503, A>T. VCF-style: chr11-57606503-A-T. GRCh37 (hg19) VCF-style: chr11-57373976-A-T.
Other names: c.985A>T, p.Lys329Ter (NM_001032295.2); short protein forms K329*.
Identifiers: ClinVar variation 979218 (VCV000979218.4), dbSNP rs1945411910, ClinGen allele CA380700779.
Genomic context (GRCh38, chr11:57,606,503, plus strand): 5'-AGAATGGAACCCTTTCACTTCAAAAACTCAGTTATAAAAGTGCCCATGATGAATAGCAAG[A>T]AGTACCCTGTGGCCCATTTCATTGACCAAACTTTGAAAGCCAAGGTAAGTTCTTAACCTT-3'